The following is an entry in ClinVar:

NM_004333.6(BRAF):c.342T>C (p.Ser114=)

Gene: BRAF (B-Raf proto-oncogene, serine/threonine kinase; minus strand). Cytogenetic location: 7q34.
Variant type: single nucleotide variant.
Coding change: c.342T>C on transcript NM_004333.6 (MANE Select); coding-DNA position 342, T replaced by C.
Protein change: p.Ser114=; no amino-acid change (serine 114 retained).
Molecular consequence: synonymous variant. On other transcripts: intron variant (1).
Genome position (GRCh38, 1-based): chr7:140,834,771, A>G on the plus strand (T>C on the coding strand, the complement: BRAF is on the minus strand). VCF-style: chr7-140834771-A-G. GRCh37 (hg19) VCF-style: chr7-140534571-A-G.
Other names: c.342T>C, p.Ser114= (NM_001354609.2, NM_001374244.1, NM_001374258.1 and 5 more transcripts); c.240T>C, p.Ser80= (NM_001378470.1); c.186T>C, p.Ser62= (NM_001378472.1, NM_001378473.1); c.240+15340T>C (NM_001378475.1).
Identifiers: ClinVar variation 1731374 (VCV001731374.32), dbSNP rs758557506, ClinGen allele CA4516985.

ClinVar aggregate classification (germline): Likely benign. Review status: criteria provided, multiple submitters, no conflicts (2 of 4 stars). 4 submissions from 4 submitters: Likely benign (4). Last evaluated 2024-07-15.

Conditions:
RASopathy. Also called: Noonan spectrum disorder; rasopathies. Identifiers: Orphanet 536391, MedGen C5555857, MONDO:0021060.
Cardiovascular phenotype. Identifiers: MedGen CN230736.

Allele frequency attached by ClinVar (database versions not stated): TOPMed below 0.00001; ExAC 0.00001.
gnomAD v4.1: 9 of 1,614,222 alleles (0.00056%); highest among the groups gnomAD compares: Middle Eastern, 0.033%; no homozygotes.

Submissions (4):

Blueprint Genetics
Classification: Likely benign. Last evaluated: 2024-07-15. Review status: criteria provided, single submitter. Criteria: ACMG Guidelines, 2015. Collection method: clinical testing. Allele origin: germline.

Labcorp Genetics (formerly Invitae), Labcorp
Classification: Likely benign for RASopathy. Last evaluated: 2024-04-09. Review status: criteria provided, single submitter. Criteria: Invitae Variant Classification Sherloc (09022015). Collection method: clinical testing. Allele origin: germline.

CeGaT Center for Human Genetics Tuebingen
Classification: Likely benign. Last evaluated: 2023-02-01. Review status: criteria provided, single submitter. Criteria: CeGaT Center For Human Genetics Tuebingen Variant Classification Criteria Version 2. Collection method: clinical testing. Allele origin: germline. Affected: yes. Observed: 1 variant allele.
Comment: BRAF: BP4, BP7

Ambry Genetics
Classification: Likely benign for Cardiovascular phenotype. Last evaluated: 2021-07-18. Review status: criteria provided, single submitter. Criteria: Ambry Variant Classification Scheme 2023. Collection method: clinical testing. Allele origin: germline.